The following is an entry in ClinVar:

NM_001304360.2(CFAP74):c.2924del (p.Leu975fs)

Gene: CFAP74 (cilia and flagella associated protein 74; minus strand). Cytogenetic location: 1p36.33.
Variant type: Deletion.
Coding change: c.2924del on transcript NM_001304360.2 (MANE Select); coding-DNA position 2924, one base deleted (T; older notation c.2924delT).
Protein change: p.Leu975fs; shifts the reading frame from leucine 975.
Molecular consequence: frameshift variant.
Genome position (GRCh38, 1-based): chr1:1,938,942, A deleted on the plus strand (T on the coding strand, the reverse complement: CFAP74 is on the minus strand). VCF-style (leftmost placement, unchanged base first): chr1-1938941-CA-C. GRCh37 (hg19) VCF-style: chr1-1870380-CA-C.
Other names: short protein forms L975fs.
Identifiers: ClinVar variation 3340495 (VCV003340495.2).

ClinVar aggregate classification (germline): Likely pathogenic. Review status: criteria provided, multiple submitters, no conflicts (2 of 4 stars). 2 submissions from 2 submitters: Likely pathogenic (2). Last evaluated 2024-08-01.

Conditions:
Ciliary dyskinesia, primary, 49, without situs inversus (CILD49). Identifiers: MedGen C5774291, MONDO:0859353, OMIM 620197.

Submissions (2):

Diagnostics Services (NGS), CSIR - Centre For Cellular And Molecular Biology
Classification: Likely pathogenic for Ciliary dyskinesia, primary, 49, without situs inversus. Last evaluated: 2024-08-01. Review status: criteria provided, single submitter. Criteria: ACMG Guidelines, 2015. Collection method: clinical testing. Allele origin: unknown. Affected: yes. Observed: 1 variant allele, 1 heterozygote.
Comment: The c.2924del variant is not present in publicly available population databases like 1000 Genomes, EVS, Indian Exome Database or our in-house exome database. The variant present is present in the gnomAD and ExAC database at a low frequency. This variant has neither been published in literature in individuals with CFAP74-related conditions nor reported to the clinical databases like Human Genome Mutation Database (HGMD), ClinVar or OMIM, in any affected individuals. In-silico pathogenicity prediction programs like MutationTaster2, CADD, Varsome, Franklin etc predicted this variant to be likely deleterious.

3billion
Classification: Likely pathogenic for Ciliary dyskinesia, primary, 49, without situs inversus. Last evaluated: 2023-12-26. Review status: criteria provided, single submitter. Criteria: ACMG Guidelines, 2015. Collection method: clinical testing. Allele origin: germline. Affected: yes.
Comment: The variant is observed at an extremely low frequency in the gnomAD v2.1.1 dataset (total allele frequency: 0.008%). Predicted Consequence/Location: Frameshift: predicted to result in a loss or disruption of normal protein function through nonsense-mediated decay (NMD) or protein truncation. Multiple pathogenic variants are reported downstream of the variant. Therefore, this variant is classified as Likely pathogenic according to the recommendation of ACMG/AMP guideline.